The following is an entry in ClinVar:

ClinVar aggregate classification (germline): Uncertain significance. Review status: criteria provided, multiple submitters, no conflicts (2 of 4 stars). 4 submissions from 4 submitters: Uncertain significance (4). Last evaluated 2025-11-05.

Conditions:
Inborn genetic diseases. Identifiers: MedGen C0950123, MeSH D030342.
Developmental and epileptic encephalopathy, 29 (DEE29). Also called: Epileptic encephalopathy, early infantile, 29. Identifiers: Orphanet 442835, MedGen C4225361, MONDO:0014593, OMIM 616339.
Charcot-Marie-Tooth disease axonal type 2N (CMT2N). Also called: Charcot-Marie-Tooth Neuropathy Type 2N; CHARCOT-MARIE-TOOTH DISEASE, AXONAL, AUTOSOMAL DOMINANT, TYPE 2N; CHARCOT-MARIE-TOOTH NEUROPATHY, AXONAL, TYPE 2N. Identifiers: Orphanet 228174, MedGen C2750090, MONDO:0013212, OMIM 613287.
Charcot-Marie-Tooth disease type 2. Also called: Charcot-Marie-Tooth type 2. Identifiers: Orphanet 64746, MedGen C0270914, MONDO:0018993.
AARS1-related disorder. Also called: AARS1-related condition.

Allele frequency attached by ClinVar (database versions not stated): gnomAD 0.00001; TOPMed 0.00001; ExAC 0.00002.
gnomAD v4.1: 51 of 1,614,056 alleles (0.0032%); highest among the groups gnomAD compares: Non-Finnish European, 0.0042%; no homozygotes.

Submissions (4):

PreventionGenetics, part of Exact Sciences
Classification: Uncertain significance for AARS1-related condition. Last evaluated: 2025-11-05. Review status: criteria provided, single submitter. Criteria: ACMG Guidelines, 2015. Collection method: clinical testing. Allele origin: germline.
Comment: The AARS1 c.726G>A variant is predicted to result in the amino acid substitution p.Met242Ile. To our knowledge, this variant has not been reported in the literature. This variant is reported in 0.0026% of alleles in individuals of European (non-Finnish) descent in gnomAD. At this time, the clinical significance of this variant is uncertain due to the absence of conclusive functional and genetic evidence.

Labcorp Genetics (formerly Invitae), Labcorp
Classification: Uncertain significance for Charcot-Marie-Tooth disease type 2. Last evaluated: 2025-05-11. Review status: criteria provided, single submitter. Criteria: Invitae Variant Classification Sherloc (09022015). Collection method: clinical testing. Allele origin: germline.
Comment: This sequence change replaces methionine, which is neutral and non-polar, with isoleucine, which is neutral and non-polar, at codon 242 of the AARS protein (p.Met242Ile). This variant is present in population databases (rs780360628, gnomAD 0.003%). This missense change has been observed in individual(s) with clinical features of Charcot-Marie-Tooth disease (internal data). ClinVar contains an entry for this variant (Variation ID: 639394). Invitae Evidence Modeling of protein sequence and biophysical properties (such as structural, functional, and spatial information, amino acid conservation, physicochemical variation, residue mobility, and thermodynamic stability) has been performed for this missense variant. However, the output from this modeling did not meet the statistical confidence thresholds required to predict the impact of this variant on AARS protein function. In summary, the available evidence is currently insufficient to determine the role of this variant in disease. Therefore, it has been classified as a Variant of Uncertain Significance.

Ambry Genetics
Classification: Uncertain significance for Inborn genetic diseases. Last evaluated: 2024-11-19. Review status: criteria provided, single submitter. Criteria: Ambry Variant Classification Scheme 2023. Collection method: clinical testing. Allele origin: germline.

Mayo Clinic Laboratories, Mayo Clinic
Classification: Uncertain significance. Last evaluated: 2022-02-28. Review status: criteria provided, single submitter. Criteria: ACMG Guidelines, 2015. Collection method: clinical testing. Allele origin: germline. Observed: 1 variant allele.

NM_001605.3(AARS1):c.726G>A (p.Met242Ile)

Gene: AARS1 (alanyl-tRNA synthetase 1; minus strand). Cytogenetic location: 16q22.1.
Variant type: single nucleotide variant.
Coding change: c.726G>A on transcript NM_001605.3 (MANE Select); coding-DNA position 726, G replaced by A.
Protein change: p.Met242Ile; replaces methionine 242 with isoleucine.
Molecular consequence: missense variant.
Genome position (GRCh38, 1-based): chr16:70,270,286, C>T on the plus strand (G>A on the coding strand, the complement: AARS1 is on the minus strand). VCF-style: chr16-70270286-C-T. GRCh37 (hg19) VCF-style: chr16-70304189-C-T.
Other names: p.Met242Ile; short protein forms M242I.
Identifiers: ClinVar variation 639394 (VCV000639394.10), dbSNP rs780360628, ClinGen allele CA8141059.